The following is an entry in ClinVar:

ClinVar aggregate classification (germline): Pathogenic. Review status: reviewed by expert panel (3 of 4 stars). 6 submissions from 6 submitters: Pathogenic (1). 5 of the submissions do not count toward it. Last evaluated 2016-09-08.

Conditions:
Breast-ovarian cancer, familial, susceptibility to, 1 (BROVCA1). Also called: BRCA1 Hereditary Breast and Ovarian Cancer; OVARIAN CANCER, SUSCEPTIBILITY TO. Identifiers: Orphanet 145, MedGen C2676676, MONDO:0011450, OMIM 604370. Disease mechanism: loss of function.
Hereditary breast ovarian cancer syndrome. Also called: BRCA1- and BRCA2-Associated Hereditary Breast and Ovarian Cancer; Hereditary breast and ovarian cancer syndrome; Hereditary breast and ovarian cancer syndrome (HBOC); Breast and ovarian cancer; Hereditary breast and/or ovarian cancer syndrome; Hereditary breast and ovarian cancer. Identifiers: Orphanet 145, MedGen C0677776, MeSH D061325, MONDO:0003582. Disease mechanism: loss of function.

Submissions (6):

Evidence-based Network for the Interpretation of Germline Mutant Alleles (ENIGMA)
Classification: Pathogenic for Breast-ovarian cancer, familial, susceptibility to, 1. Last evaluated: 2016-09-08. Review status: reviewed by expert panel. Criteria: ENIGMA BRCA1/2 Classification Criteria (2015). Collection method: curation. Allele origin: germline.
Comment: Variant allele predicted to encode a truncated non-functional protein.

Department of Clinical Genetics, Copenhagen University Hospital, Rigshospitalet
Classification: Pathogenic for Breast-ovarian cancer, familial, susceptibility to, 1. Last evaluated: 2024-05-27. Review status: criteria provided, single submitter. Criteria: ACMG Guidelines, 2015. Collection method: clinical testing. Allele origin: germline. Affected: yes. Not counted in ClinVar's aggregate classification.
Comment: PVS1; PM2_supporting; PM5_PTC_Strong

Labcorp Genetics (formerly Invitae), Labcorp
Classification: Pathogenic for Hereditary breast ovarian cancer syndrome. Last evaluated: 2024-03-26. Review status: criteria provided, single submitter. Criteria: Invitae Variant Classification Sherloc (09022015). Collection method: clinical testing. Allele origin: germline. Not counted in ClinVar's aggregate classification.
Comment: This sequence change creates a premature translational stop signal (p.Glu1781Asnfs*12) in the BRCA1 gene. It is expected to result in an absent or disrupted protein product. Loss-of-function variants in BRCA1 are known to be pathogenic (PMID: 20104584). This variant is not present in population databases (gnomAD no frequency). This premature translational stop signal has been observed in individual(s) with ovarian cancer (PMID: 18559594). This variant is also known as c.5460delG. ClinVar contains an entry for this variant (Variation ID: 55543). For these reasons, this variant has been classified as Pathogenic.

Consortium of Investigators of Modifiers of BRCA1/2 (CIMBA), c/o University of Cambridge
Classification: Pathogenic for Breast-ovarian cancer, familial, susceptibility to, 1. Last evaluated: 2015-10-02. Review status: criteria provided, single submitter. Criteria: CIMBA Mutation Classification guidelines May 2016. Collection method: clinical testing. Allele origin: germline. Not counted in ClinVar's aggregate classification.

Research Molecular Genetics Laboratory, Women's College Hospital, University of Toronto
Classification: Pathogenic for Hereditary breast ovarian cancer syndrome. Last evaluated: 2014-01-31. Review status: no assertion criteria provided. Collection method: research. Allele origin: germline. Affected: yes. Study: The Canadian Open Genetics Repository (COGR). Not counted in ClinVar's aggregate classification.

Breast Cancer Information Core (BIC) (BRCA1)
Classification: Pathogenic for Breast-ovarian cancer, familial 1. Last evaluated: 1998-07-10. Review status: no assertion criteria provided. Collection method: clinical testing. Allele origin: germline. Affected: yes. Observed: 1 variant allele. Not counted in ClinVar's aggregate classification.

Literature cited by the submitters: PubMed 20104584 (cited by Labcorp Genetics (formerly Invitae), Labcorp); PubMed 18559594 (cited by Labcorp Genetics (formerly Invitae), Labcorp).

NM_007294.4(BRCA1):c.5341del (p.Glu1781fs)

Gene: BRCA1 (BRCA1 DNA repair associated; minus strand). Cytogenetic location: 17q21.31.
Variant type: Deletion.
Coding change: c.5341del on transcript NM_007294.4 (MANE Select); coding-DNA position 5341, one base deleted (G; older notation c.5341delG).
Protein change: p.Glu1781fs; shifts the reading frame from glutamic acid 1781.
Molecular consequence: frameshift variant. On other transcripts: non-coding transcript variant (1), intron variant (1).
Genome position (GRCh38, 1-based): chr17:43,049,186, C deleted on the plus strand (G on the coding strand, the reverse complement: BRCA1 is on the minus strand); the first of 2 consecutive C bases (chr17:43,049,186-43,049,187); deleting either gives the same sequence. VCF-style (leftmost placement, unchanged base first): chr17-43049185-TC-T. GRCh37 (hg19) VCF-style: chr17-41201202-TC-T.
Other names: 5460delG; c.5341delG (NM_007294.3); c.5127delG, p.Glu1710Asnfs (NM_001407571.1, NM_001407894.1, NM_001407895.1 and 12 more transcripts); c.5406delG, p.Glu1803Asnfs (NM_001407581.1, NM_001407582.1); c.5403delG, p.Glu1802Asnfs (NM_001407583.1, NM_001407585.1, NM_001407587.1); c.5400delG, p.Glu1801Asnfs (NM_001407590.1, NM_001407591.1); c.5340delG, p.Glu1781Asnfs (NM_001407593.1, NM_001407594.1, NM_001407596.1 and 5 more transcripts); c.5337delG, p.Glu1780Asnfs (NM_001407610.1, NM_001407611.1, NM_001407612.1 and 14 more transcripts); and 77 more; short protein forms E1781fs, E677fs, E1734fs, E1802fs.
Identifiers: ClinVar variation 55543 (VCV000055543.13), dbSNP rs80357694, ClinGen allele CA003510.